The following is an entry in ClinVar:

NM_205836.3(FBXO38):c.1968G>T (p.Gln656His)

Gene: FBXO38 (F-box protein 38; plus strand). Cytogenetic location: 5q32.
Variant type: single nucleotide variant.
Coding change: c.1968G>T on transcript NM_205836.3 (MANE Select); coding-DNA position 1968, G replaced by T.
Protein change: p.Gln656His; replaces glutamine 656 with histidine.
Molecular consequence: missense variant. On other transcripts: intron variant (1).
Genome position (GRCh38, 1-based): chr5:148,427,262, G>T. VCF-style: chr5-148427262-G-T. GRCh37 (hg19) VCF-style: chr5-147806825-G-T.
Other names: c.1968G>T, p.Gln656His (NM_030793.5); c.1918+1561G>T (NM_001271723.2); short protein forms Q656H.
Identifiers: ClinVar variation 580127 (VCV000580127.14), dbSNP rs370471937, ClinGen allele CA3497429.
Genomic context (GRCh38, chr5:148,427,262, plus strand): 5'-TCTATAAGCAGTAAGTGGAAAAGGCAAGACTCCACTTCGAAAGAGGTACAACTCCCATCA[G>T]ATGGGCCAGTCGAAGCAGTTTCCCCTCGAGGAAAGCAGCTGTGAGAAAGGCTGTCAGGTC-3'
Protein context (NP_995308.1, residues 646-666): TPLRKRYNSH[Gln656His]MGQSKQFPLE

ClinVar aggregate classification (germline): Conflicting classifications of pathogenicity. Review status: criteria provided, conflicting classifications (1 of 4 stars). 3 submissions from 3 submitters: Uncertain significance (1); Likely benign (2). Last evaluated 2026-05-12.

Conditions:
FBXO38-related disorder. Also called: FBXO38-related condition.
Distal hereditary motor neuropathy type 2. Identifiers: Orphanet 139525, MedGen C3711384, MeSH C580044, MONDO:0015352.

Allele frequency attached by ClinVar (database versions not stated): ExAC 0.00008; gnomAD 0.00011; gnomAD exomes 0.00011; TOPMed 0.00011; ESP Exome Variant Server 0.00031.
gnomAD v4.1: 406 of 1,613,964 alleles (0.025%); highest among the groups gnomAD compares: Non-Finnish European, 0.031%; no homozygotes.

Submissions (3):

PreventionGenetics, part of Exact Sciences
Classification: Likely benign for FBXO38-related condition. Last evaluated: 2026-05-12. Review status: criteria provided, single submitter. Criteria: ACMG Guidelines, 2015. Collection method: clinical testing. Allele origin: germline.
Comment: This variant is classified as likely benign based on ACMG/AMP sequence variant interpretation guidelines (Richards et al. 2015 PMID: 25741868, with internal and published modifications).

Labcorp Genetics (formerly Invitae), Labcorp
Classification: Uncertain significance for Distal hereditary motor neuropathy type 2. Last evaluated: 2025-08-26. Review status: criteria provided, single submitter. Criteria: Invitae Variant Classification Sherloc (09022015). Collection method: clinical testing. Allele origin: germline.
Comment: This sequence change replaces glutamine, which is neutral and polar, with histidine, which is basic and polar, at codon 656 of the FBXO38 protein (p.Gln656His). This variant is present in population databases (rs370471937, gnomAD 0.02%). This variant has not been reported in the literature in individuals affected with FBXO38-related conditions. ClinVar contains an entry for this variant (Variation ID: 580127). Invitae Evidence Modeling of protein sequence and biophysical properties (such as structural, functional, and spatial information, amino acid conservation, physicochemical variation, residue mobility, and thermodynamic stability) indicates that this missense variant is not expected to disrupt FBXO38 protein function with a negative predictive value of 80%. In summary, the available evidence is currently insufficient to determine the role of this variant in disease. Therefore, it has been classified as a Variant of Uncertain Significance.

Ambry Genetics
Classification: Likely benign. Last evaluated: 2022-06-27. Review status: criteria provided, single submitter. Criteria: Ambry Variant Classification Scheme 2023. Collection method: clinical testing. Allele origin: germline.